The following is an entry in ClinVar:

NM_004380.3(CREBBP):c.6398T>C (p.Met2133Thr)

Gene: CREBBP (CREB binding lysine acetyltransferase; minus strand). Cytogenetic location: 16p13.3.
Variant type: single nucleotide variant.
Coding change: c.6398T>C on transcript NM_004380.3 (MANE Select); coding-DNA position 6398, T replaced by C.
Protein change: p.Met2133Thr; replaces methionine 2133 with threonine.
Molecular consequence: missense variant.
Genome position (GRCh38, 1-based): chr16:3,728,649, A>G on the plus strand (T>C on the coding strand, the complement: CREBBP is on the minus strand). VCF-style: chr16-3728649-A-G. GRCh37 (hg19) VCF-style: chr16-3778650-A-G.
Other names: c.6284T>C, p.Met2095Thr (NM_001079846.1); c.6398T>C (NM_004380.2); short protein forms M2095T, M2133T.
Identifiers: ClinVar variation 2733351 (VCV002733351.5), dbSNP rs1187864892, ClinGen allele CA394553481.

ClinVar aggregate classification (germline): Uncertain significance. Review status: criteria provided, multiple submitters, no conflicts (2 of 4 stars). 2 submissions from 2 submitters: Uncertain significance (2). Last evaluated 2025-07-16.

Conditions:
CREBBP-related disorder. Also called: CREBBP-related disorders; CREBBP-related condition.
Rubinstein-Taybi syndrome (RSTS). Identifiers: Orphanet 783, MedGen C0035934, MONDO:0019188.

Allele frequency attached by ClinVar (database versions not stated): gnomAD exomes below 0.00001; gnomAD 0.00001.
gnomAD v4.1: 7 of 1,613,450 alleles (0.00043%); highest among the groups gnomAD compares: Non-Finnish European, 0.00059%; no homozygotes.

Submissions (2):

PreventionGenetics, part of Exact Sciences
Classification: Uncertain significance for CREBBP-related condition. Last evaluated: 2025-07-16. Review status: criteria provided, single submitter. Criteria: ACMG Guidelines, 2015. Collection method: clinical testing. Allele origin: germline.
Comment: The CREBBP c.6398T>C variant is predicted to result in the amino acid substitution p.Met2133Thr. To our knowledge, this variant has not been reported in the literature or in a large population database, indicating this variant is rare. At this time, the clinical significance of this variant is uncertain due to the absence of conclusive functional and genetic evidence.

Labcorp Genetics (formerly Invitae), Labcorp
Classification: Uncertain significance for Rubinstein-Taybi syndrome. Last evaluated: 2024-09-23. Review status: criteria provided, single submitter. Criteria: Invitae Variant Classification Sherloc (09022015). Collection method: clinical testing. Allele origin: germline.
Comment: This sequence change replaces methionine, which is neutral and non-polar, with threonine, which is neutral and polar, at codon 2133 of the CREBBP protein (p.Met2133Thr). This variant is not present in population databases (gnomAD no frequency). This variant has not been reported in the literature in individuals affected with CREBBP-related conditions. Invitae Evidence Modeling of protein sequence and biophysical properties (such as structural, functional, and spatial information, amino acid conservation, physicochemical variation, residue mobility, and thermodynamic stability) indicates that this missense variant is not expected to disrupt CREBBP protein function with a negative predictive value of 95%. In summary, the available evidence is currently insufficient to determine the role of this variant in disease. Therefore, it has been classified as a Variant of Uncertain Significance.